The following is an entry in ClinVar:

ClinVar aggregate classification (germline): Uncertain significance. Review status: criteria provided, multiple submitters, no conflicts (2 of 4 stars). 3 submissions from 3 submitters: Uncertain significance (3). Last evaluated 2025-04-11.

Conditions:
Hereditary spherocytosis type 4. Also called: SLC4A1-Related Spherocytosis. Identifiers: Orphanet 822, MedGen C2675212, MONDO:0012981, OMIM 612653.
BLOOD GROUP--FROESE (FR). Also called: FROESE BLOOD GROUP ANTIGEN. Identifiers: MedGen C1832168, OMIM 601551.
BLOOD GROUP, WALDNER (WD). Also called: WALDNER BLOOD GROUP ANTIGEN. Identifiers: MedGen C1862191, OMIM 112010.
BLOOD GROUP--SWANN SYSTEM (SW). Also called: SWANN BLOOD GROUP. Identifiers: MedGen C1832169, OMIM 601550.
Malaria, susceptibility to. Identifiers: Orphanet 673, MedGen C1970028, MONDO:0021024, OMIM 611162.
Renal tubular acidosis, distal, 4, with hemolytic anemia. Also called: Renal Tubular Acidosis, Distal, with Hemolytic Anemia. Identifiers: Orphanet 93610, MedGen C5436235, MONDO:0012700, OMIM 611590.
Autosomal dominant distal renal tubular acidosis (DRTA1). Also called: RTA, CLASSIC TYPE; RTA, DISTAL TYPE, AUTOSOMAL DOMINANT; RTA, GRADIENT TYPE; Renal Tubular Acidosis, Type I; RENAL TUBULAR ACIDOSIS, DISTAL, 1. Identifiers: Orphanet 93608, MedGen CN280572, MONDO:0008368, OMIM 179800.
Southeast Asian ovalocytosis. Also called: Elliptocytosis 4; HE, STOMATOCYTIC; Stomatocytic elliptocytosis, hereditary; Ovalocytosis, Malaysian-Melanesian-Filipino type. Identifiers: Orphanet 98868, MedGen C1862322, MONDO:0008165, OMIM 166900.
BLOOD GROUP--DIEGO SYSTEM (DI). Identifiers: MedGen C1292286, OMIM 110500.
BLOOD GROUP--WRIGHT ANTIGEN (WR). Identifiers: MedGen C1862190, OMIM 112050.
Cryohydrocytosis. Also called: STOMATOCYTOSIS, COLD-SENSITIVE; Hereditary cryohydrocytosis with normal stomatin; CRYOHYDROCYTOSIS DUE TO BAND 3 HEMEL; CRYOHYDROCYTOSIS DUE TO BAND 3 HURSTPIERPOINT; CRYOHYDROCYTOSIS DUE TO BAND 3 BLACKBURN. Identifiers: Orphanet 398088, MedGen C1861453, MONDO:0008494, OMIM 185020.
Inborn genetic diseases. Identifiers: MedGen C0950123, MeSH D030342.

Allele frequency attached by ClinVar (database versions not stated): ExAC 0.00002; TOPMed 0.00005; gnomAD 0.00003; gnomAD exomes 0.00008.

Submissions (3):

Ambry Genetics
Classification: Uncertain significance for Inborn genetic diseases. Last evaluated: 2025-04-11. Review status: criteria provided, single submitter. Criteria: Ambry Variant Classification Scheme 2023. Collection method: clinical testing. Allele origin: germline.

Fulgent Genetics
Classification: Uncertain significance for BLOOD GROUP--DIEGO SYSTEM; BLOOD GROUP, WALDNER; BLOOD GROUP--WRIGHT ANTIGEN; Southeast Asian ovalocytosis; Autosomal dominant distal renal tubular acidosis; Cryohydrocytosis; BLOOD GROUP--SWANN SYSTEM; BLOOD GROUP--FROESE; Malaria, susceptibility to; Renal tubular acidosis, distal, 4, with hemolytic anemia; Hereditary spherocytosis type 4. Last evaluated: 2024-05-04. Review status: criteria provided, single submitter. Criteria: ACMG Guidelines, 2015. Collection method: clinical testing. Allele origin: germline.

Labcorp Genetics (formerly Invitae), Labcorp
Classification: Uncertain significance. Last evaluated: 2024-02-07. Review status: criteria provided, single submitter. Criteria: Invitae Variant Classification Sherloc (09022015). Collection method: clinical testing. Allele origin: germline.
Comment: This sequence change replaces glycine, which is neutral and non-polar, with aspartic acid, which is acidic and polar, at codon 376 of the SLC4A1 protein (p.Gly376Asp). This variant is present in population databases (rs768031591, gnomAD 0.004%). This variant has not been reported in the literature in individuals affected with SLC4A1-related conditions. Advanced modeling of protein sequence and biophysical properties (such as structural, functional, and spatial information, amino acid conservation, physicochemical variation, residue mobility, and thermodynamic stability) has been performed at Invitae for this missense variant, however the output from this modeling did not meet the statistical confidence thresholds required to predict the impact of this variant on SLC4A1 protein function. In summary, the available evidence is currently insufficient to determine the role of this variant in disease. Therefore, it has been classified as a Variant of Uncertain Significance.

NM_000342.4(SLC4A1):c.1127G>A (p.Gly376Asp)

Gene: SLC4A1 (solute carrier family 4 member 1 (Diego blood group); minus strand). Cytogenetic location: 17q21.31.
Variant type: single nucleotide variant.
Coding change: c.1127G>A on transcript NM_000342.4 (MANE Select); coding-DNA position 1127, G replaced by A.
Protein change: p.Gly376Asp; replaces glycine 376 with aspartic acid.
Molecular consequence: missense variant.
Genome position (GRCh38, 1-based): chr17:44,258,141, C>T on the plus strand (G>A on the coding strand, the complement: SLC4A1 is on the minus strand). VCF-style: chr17-44258141-C-T. GRCh37 (hg19) VCF-style: chr17-42335509-C-T.
Other names: c.1127G>A (NM_000342.3); short protein forms G376D.
Identifiers: ClinVar variation 2864138 (VCV002864138.6), dbSNP rs768031591, ClinGen allele CA8600369.